The following is an entry in ClinVar:

NM_018943.3(TUBA8):c.949A>G (p.Met317Val)

Gene: TUBA8 (tubulin alpha 8; plus strand). Cytogenetic location: 22q11.21.
Variant type: single nucleotide variant.
Coding change: c.949A>G on transcript NM_018943.3 (MANE Select); coding-DNA position 949, A replaced by G.
Protein change: p.Met317Val; replaces methionine 317 with valine.
Molecular consequence: missense variant.
Genome position (GRCh38, 1-based): chr22:18,126,927, A>G. VCF-style: chr22-18126927-A-G. GRCh37 (hg19) VCF-style: chr22-18609694-A-G.
Other names: c.751A>G, p.Met251Val (NM_001193414.2); short protein forms M317V, M251V.
Identifiers: ClinVar variation 2248724 (VCV002248724.5), dbSNP rs2517709580, ClinGen allele CA410265238.

ClinVar aggregate classification (germline): Uncertain significance. Review status: criteria provided, multiple submitters, no conflicts (2 of 4 stars). 2 submissions from 2 submitters: Uncertain significance (2). Last evaluated 2025-10-13.

Submissions (2):

Labcorp Genetics (formerly Invitae), Labcorp
Classification: Uncertain significance. Last evaluated: 2025-10-13. Review status: criteria provided, single submitter. Criteria: Invitae Variant Classification Sherloc (09022015). Collection method: clinical testing. Allele origin: germline.
Comment: This sequence change replaces methionine, which is neutral and non-polar, with valine, which is neutral and non-polar, at codon 317 of the TUBA8 protein (p.Met317Val). This variant is not present in population databases (gnomAD no frequency). This variant has not been reported in the literature in individuals affected with TUBA8-related conditions. ClinVar contains an entry for this variant (Variation ID: 2248724). Invitae Evidence Modeling of protein sequence and biophysical properties (such as structural, functional, and spatial information, amino acid conservation, physicochemical variation, residue mobility, and thermodynamic stability) indicates that this missense variant is not expected to disrupt TUBA8 protein function with a negative predictive value of 80%. In summary, the available evidence is currently insufficient to determine the role of this variant in disease. Therefore, it has been classified as a Variant of Uncertain Significance.

Ambry Genetics
Classification: Uncertain significance. Last evaluated: 2021-09-01. Review status: criteria provided, single submitter. Criteria: Ambry Variant Classification Scheme 2023. Collection method: clinical testing. Allele origin: germline.